The following is an entry in ClinVar:

NM_017780.4(CHD7):c.4477C>T (p.Arg1493Cys)

Gene: CHD7 (chromodomain helicase DNA binding protein 7; plus strand). Cytogenetic location: 8q12.2.
Variant type: single nucleotide variant.
Coding change: c.4477C>T on transcript NM_017780.4 (MANE Select); coding-DNA position 4477, C replaced by T.
Protein change: p.Arg1493Cys; replaces arginine 1493 with cysteine.
Molecular consequence: missense variant. On other transcripts: intron variant (1).
Genome position (GRCh38, 1-based): chr8:60,838,199, C>T. VCF-style: chr8-60838199-C-T. GRCh37 (hg19) VCF-style: chr8-61750758-C-T.
Other names: c.1717-24030C>T (NM_001316690.1); short protein forms R1493C.
Identifiers: ClinVar variation 1326498 (VCV001326498.8), dbSNP rs1009126876, ClinGen allele CA177348676.
Genomic context (GRCh38, chr8:60,838,199, plus strand): 5'-ATGGATGAGGAGGATGAAGGGTCTAAATTCTGTGAAGAAGATATTGATCAGATCCTCCTA[C>T]GTCGAACCCACACCATTACCATTGAGTCAGAAGGGAAAGGTTCCACATTTGCTAAGGTGT-3'
Protein context (NP_060250.2, residues 1483-1503): CEEDIDQILL[Arg1493Cys]RTHTITIESE

ClinVar aggregate classification (germline): Uncertain significance. Review status: criteria provided, multiple submitters, no conflicts (2 of 4 stars). 3 submissions from 3 submitters: Uncertain significance (3). Last evaluated 2024-10-07.

Conditions:
CHARGE syndrome (CHARGE). Also called: Hittner Hirsch Kreh syndrome; CHARGE ASSOCIATION--COLOBOMA, HEART ANOMALY, CHOANAL ATRESIA, RETARDATION, GENITAL AND EAR ANOMALIES; Coloboma, heart anomaly, choanal atresia, retardation, genital and ear anomalies; CHARGE association; Hall-Hittner syndrome. Identifiers: Orphanet 138, MedGen C0265354, MONDO:0008965.

Allele frequency attached by ClinVar (database versions not stated): gnomAD 0.00001; gnomAD exomes 0.00001 and 0.00002; TOPMed 0.00001.
gnomAD v4.1: 25 of 1,601,626 alleles (0.0016%); highest among the groups gnomAD compares: Non-Finnish European, 0.0021%; no homozygotes.

Submissions (3):

Labcorp Genetics (formerly Invitae), Labcorp
Classification: Uncertain significance for CHARGE syndrome. Last evaluated: 2024-10-07. Review status: criteria provided, single submitter. Criteria: Invitae Variant Classification Sherloc (09022015). Collection method: clinical testing. Allele origin: germline.
Comment: This sequence change replaces arginine, which is basic and polar, with cysteine, which is neutral and slightly polar, at codon 1493 of the CHD7 protein (p.Arg1493Cys). The frequency data for this variant in the population databases is considered unreliable, as metrics indicate poor data quality at this position in the gnomAD database. This missense change has been observed in individual(s) with clinical features of CHD7-related conditions (PMID: 35778651, 36833263). ClinVar contains an entry for this variant (Variation ID: 1326498). Invitae Evidence Modeling of protein sequence and biophysical properties (such as structural, functional, and spatial information, amino acid conservation, physicochemical variation, residue mobility, and thermodynamic stability) indicates that this missense variant is expected to disrupt CHD7 protein function with a positive predictive value of 95%. In summary, the available evidence is currently insufficient to determine the role of this variant in disease. Therefore, it has been classified as a Variant of Uncertain Significance.

Blueprint Genetics
Classification: Uncertain significance. Last evaluated: 2024-05-23. Review status: criteria provided, single submitter. Criteria: ACMG Guidelines, 2015. Collection method: clinical testing. Allele origin: germline.

GeneDx
Classification: Uncertain significance. Last evaluated: 2023-03-02. Review status: criteria provided, single submitter. Criteria: GeneDx Variant Classification Process June 2021. Collection method: clinical testing. Allele origin: germline. Affected: yes.
Comment: Identified in a patient with nonsyndromic cleft lip in published literature (Dabrowska et al., 2022); Not observed at significant frequency in large population cohorts (gnomAD); In silico analysis supports that this missense variant has a deleterious effect on protein structure/function; This variant is associated with the following publications: (PMID: 35778651)

Literature cited by the submitters: PubMed 35778651 (cited by Labcorp Genetics (formerly Invitae), Labcorp); PubMed 36833263 (cited by Labcorp Genetics (formerly Invitae), Labcorp).